The following is an entry in ClinVar:

ClinVar aggregate classification (germline): Uncertain significance (1 of 4 stars; one submission).

gnomAD v4.1: 2 of 1,612,250 alleles (0.00012%); highest among the groups gnomAD compares: Non-Finnish European, 0.000085%; no homozygotes.

Submission:

Labcorp Genetics (formerly Invitae), Labcorp
Classification: Uncertain significance. Last evaluated: 2025-06-10. Review status: criteria provided, single submitter. Criteria: Invitae Variant Classification Sherloc (09022015). Collection method: clinical testing. Allele origin: germline.
Comment: This sequence change replaces cysteine, which is neutral and slightly polar, with tryptophan, which is neutral and slightly polar, at codon 3 of the C1S protein (p.Cys3Trp). This variant is present in population databases (no rsID available, gnomAD 0.0009%). This variant has not been reported in the literature in individuals affected with C1S-related conditions. An algorithm developed to predict the effect of missense changes on protein structure and function (PolyPhen-2) suggests that this variant is likely to be tolerated. In summary, the available evidence is currently insufficient to determine the role of this variant in disease. Therefore, it has been classified as a Variant of Uncertain Significance.

NM_001734.5(C1S):c.9C>G (p.Cys3Trp)

Gene: C1S (complement C1s; plus strand). Cytogenetic location: 12p13.31.
Variant type: single nucleotide variant.
Coding change: c.9C>G on transcript NM_001734.5 (MANE Select); coding-DNA position 9, C replaced by G.
Protein change: p.Cys3Trp; replaces cysteine 3 with tryptophan.
Molecular consequence: missense variant. On other transcripts: intron variant (1).
Genome position (GRCh38, 1-based): chr12:7,062,478, C>G. VCF-style: chr12-7062478-C-G. GRCh37 (hg19) VCF-style: chr12-7169782-C-G.
Other names: c.9C>G, p.Cys3Trp (NM_201442.4); c.-288-412C>G (NM_001346850.2); short protein forms C3W.
Identifiers: ClinVar variation 4706598 (VCV004706598.1).